The following is an entry in ClinVar:

NM_152269.5(MTRFR):c.419A>G (p.Glu140Gly)

Gene: MTRFR (mitochondrial translation release factor in rescue; plus strand). Cytogenetic location: 12q24.31.
Variant type: single nucleotide variant.
Coding change: c.419A>G on transcript NM_152269.5 (MANE Select); coding-DNA position 419, A replaced by G.
Protein change: p.Glu140Gly; replaces glutamic acid 140 with glycine.
Molecular consequence: missense variant.
Genome position (GRCh38, 1-based): chr12:123,256,949, A>G. VCF-style: chr12-123256949-A-G. GRCh37 (hg19) VCF-style: chr12-123741496-A-G.
Other names: c.419A>G, p.Glu140Gly (NM_001143905.2, NM_001194995.1); short protein forms E140G.
Identifiers: ClinVar variation 645919 (VCV000645919.8), dbSNP rs1255911546, ClinGen allele CA387119208.

ClinVar aggregate classification (germline): Uncertain significance (1 of 4 stars; one submission).

Conditions:
Spastic paraplegia. Identifiers: MedGen C0037772, HP:0001258.
Combined oxidative phosphorylation defect type 7. Identifiers: Orphanet 254930, MedGen C3150801, MONDO:0013306, OMIM 613559.

Allele frequency attached by ClinVar (database versions not stated): gnomAD exomes below 0.00001; TOPMed below 0.00001.
gnomAD v4.1: 5 of 1,613,776 alleles (0.00031%); highest among the groups gnomAD compares: Non-Finnish European, 0.00017%; no homozygotes.

Submission:

Labcorp Genetics (formerly Invitae), Labcorp
Classification: Uncertain significance for Combined oxidative phosphorylation defect type 7; Spastic paraplegia. Last evaluated: 2024-02-24. Review status: criteria provided, single submitter. Criteria: Invitae Variant Classification Sherloc (09022015). Collection method: clinical testing. Allele origin: germline.
Comment: This sequence change replaces glutamic acid, which is acidic and polar, with glycine, which is neutral and non-polar, at codon 140 of the C12orf65 protein (p.Glu140Gly). The frequency data for this variant in the population databases is considered unreliable, as metrics indicate poor data quality at this position in the gnomAD database. This variant has not been reported in the literature in individuals affected with C12orf65-related conditions. ClinVar contains an entry for this variant (Variation ID: 645919). Experimental studies and prediction algorithms are not available or were not evaluated, and the functional significance of this variant is currently unknown. In summary, the available evidence is currently insufficient to determine the role of this variant in disease. Therefore, it has been classified as a Variant of Uncertain Significance.